The following is an entry in ClinVar:

ClinVar aggregate classification (germline): Uncertain significance (1 of 4 stars; one submission).

Conditions:
Congenital myotonia, autosomal recessive form. Also called: BECKER DISEASE; Becker Generalized Myotonia; myotonia congenita, autosomal recessive. Identifiers: Orphanet 614, MedGen C0751360, MONDO:0009715, OMIM 255700.
Congenital myotonia, autosomal dominant form (THD). Also called: THOMSEN DISEASE; Myotonia congenita autosomal dominant. Identifiers: Orphanet 614, MedGen C2936781, MONDO:0008055, OMIM 160800.

gnomAD v4.1: 1 of 1,564,922 alleles (0.000064%); no homozygotes.

Submission:

Labcorp Genetics (formerly Invitae), Labcorp
Classification: Uncertain significance for Congenital myotonia, autosomal recessive form; Congenital myotonia, autosomal dominant form. Last evaluated: 2022-08-24. Review status: criteria provided, single submitter. Criteria: Invitae Variant Classification Sherloc (09022015). Collection method: clinical testing. Allele origin: germline.
Comment: This sequence change replaces proline, which is neutral and non-polar, with leucine, which is neutral and non-polar, at codon 705 of the CLCN1 protein (p.Pro705Leu). This variant has not been reported in the literature in individuals affected with CLCN1-related conditions. This variant is not present in population databases (gnomAD no frequency). Advanced modeling of protein sequence and biophysical properties (such as structural, functional, and spatial information, amino acid conservation, physicochemical variation, residue mobility, and thermodynamic stability) performed at Invitae indicates that this missense variant is not expected to disrupt CLCN1 protein function. In summary, the available evidence is currently insufficient to determine the role of this variant in disease. Therefore, it has been classified as a Variant of Uncertain Significance.

NM_000083.3(CLCN1):c.2114C>T (p.Pro705Leu)

Genes: CLCN1 (chloride voltage-gated channel 1; plus strand), LOC123956257 (Sharpr-MPRA regulatory region 4117; plus strand). Cytogenetic location: 7q34.
Variant type: single nucleotide variant.
Coding change: c.2114C>T on transcript NM_000083.3 (MANE Select); coding-DNA position 2114, C replaced by T.
Protein change: p.Pro705Leu; replaces proline 705 with leucine.
Molecular consequence: missense variant. On other transcripts: non-coding transcript variant (1).
Genome position (GRCh38, 1-based): chr7:143,345,704, C>T. VCF-style: chr7-143345704-C-T. GRCh37 (hg19) VCF-style: chr7-143042797-C-T.
Other names: short protein forms P705L.
Identifiers: ClinVar variation 2049782 (VCV002049782.4), dbSNP rs1803220621, ClinGen allele CA369650479.